The following is an entry in ClinVar:

ClinVar aggregate classification (germline): Pathogenic (1 of 4 stars; one submission).

Conditions:
Ellis-van Creveld syndrome (EVC). Also called: MESOECTODERMAL DYSPLASIA; Chondroectodermal dysplasia; EVC-Related Ellis-van Creveld Syndrome; EVC2-Related Ellis-van Creveld Syndrome. Identifiers: Orphanet 289, MedGen C0013903, MONDO:0009162, OMIM 225500.
Curry-Hall syndrome (WAD). Also called: WEYERS ACRODENTAL DYSOSTOSIS. Identifiers: Orphanet 952, MedGen C0457013, MONDO:0008673, OMIM 193530.

Submission:

Labcorp Genetics (formerly Invitae), Labcorp
Classification: Pathogenic for Curry-Hall syndrome; Ellis-van Creveld syndrome. Last evaluated: 2023-10-13. Review status: criteria provided, single submitter. Criteria: Invitae Variant Classification Sherloc (09022015). Collection method: clinical testing. Allele origin: unknown.
Comment: This variant is a gross deletion of the genomic region encompassing exon(s) 17-18 of the EVC2 gene. This deletion is out-of-frame, and is expected to create a premature termination codon and result in an absent or disrupted protein product. Loss-of-function variants in EVC2 are known to be pathogenic (PMID: 17024374, 19810119, 19876929). This variant has not been reported in the literature in individuals affected with EVC2-related conditions. For these reasons, this variant has been classified as Pathogenic.

Literature cited by the submitters: PubMed 17024374; PubMed 19810119; PubMed 19876929.

NC_000004.11:g.(?_5577947)_(5586597_?)del

Gene: EVC2 (EvC ciliary complex subunit 2; minus strand). Cytogenetic location: 4p16.2.
Variant type: Deletion.
Identifiers: ClinVar variation 3246627 (VCV003246627.1).